The following is an entry in ClinVar:

NM_002666.5(PLIN1):c.107G>T (p.Cys36Phe)

Genes: PLIN1 (perilipin 1; minus strand), LOC125146351 (Sharpr-MPRA regulatory region 3473; plus strand). Cytogenetic location: 15q26.1.
Variant type: single nucleotide variant.
Coding change: c.107G>T on transcript NM_002666.5 (MANE Select); coding-DNA position 107, G replaced by T.
Protein change: p.Cys36Phe; replaces cysteine 36 with phenylalanine.
Molecular consequence: missense variant.
Genome position (GRCh38, 1-based): chr15:89,673,353, C>A on the plus strand (G>T on the coding strand, the complement: PLIN1 is on the minus strand). VCF-style: chr15-89673353-C-A. GRCh37 (hg19) VCF-style: chr15-90216584-C-A.
Other names: c.107G>T, p.Cys36Phe (NM_001145311.2); short protein forms C36F.
Identifiers: ClinVar variation 393441 (VCV000393441.23), dbSNP rs140081686, ClinGen allele CA7729145.

ClinVar aggregate classification (germline): Benign/Likely benign. Review status: criteria provided, multiple submitters, no conflicts (2 of 4 stars). 4 submissions from 4 submitters: Benign (1); Likely benign (3). Last evaluated 2024-07-01.

Conditions:
Monogenic diabetes. Identifiers: Orphanet 183625, MedGen C3888631, MONDO:0015967.

Allele frequency attached by ClinVar (database versions not stated): gnomAD exomes 0.00053 and 0.00116; TOPMed 0.00055; gnomAD 0.00060 and 0.00062; ESP Exome Variant Server 0.00062; ExAC 0.00168.

Submissions (4):

CeGaT Center for Human Genetics Tuebingen
Classification: Likely benign. Last evaluated: 2024-07-01. Review status: criteria provided, single submitter. Criteria: CeGaT Center For Human Genetics Tuebingen Variant Classification Criteria Version 2. Collection method: clinical testing. Allele origin: germline. Affected: yes. Observed: 1 variant allele.
Comment: PLIN1: BP4

Labcorp Genetics (formerly Invitae), Labcorp
Classification: Benign. Last evaluated: 2018-09-10. Review status: criteria provided, single submitter. Criteria: Invitae Variant Classification Sherloc (09022015). Collection method: clinical testing. Allele origin: germline.

Personalized Diabetes Medicine Program, University of Maryland School of Medicine
Classification: Likely benign for Monogenic diabetes. Last evaluated: 2016-04-08. Review status: criteria provided, single submitter. Criteria: ACMG Guidelines, 2015. Collection method: research. Allele origin: unknown. Observed: 1 variant allele, 1 heterozygote.
Comment: ACMG Criteria: PP3, BS2, BP4

Breakthrough Genomics
Classification: Likely benign. Review status: criteria provided, single submitter. Criteria: ACMG Guidelines, 2015. Collection method: not provided. Allele origin: germline. Inheritance: Autosomal dominant inheritance. Affected: yes.